The following is an entry in ClinVar:

NM_139058.3(ARX):c.1627G>T (p.Ala543Ser)

Gene: ARX (aristaless related homeobox; minus strand). Cytogenetic location: Xp21.3.
Variant type: single nucleotide variant.
Coding change: c.1627G>T on transcript NM_139058.3 (MANE Select); coding-DNA position 1627, G replaced by T.
Protein change: p.Ala543Ser; replaces alanine 543 with serine.
Molecular consequence: missense variant.
Genome position (GRCh38, 1-based): chrX:25,004,732, C>A on the plus strand (G>T on the coding strand, the complement: ARX is on the minus strand). VCF-style: chrX-25004732-C-A. GRCh37 (hg19) VCF-style: chrX-25022849-C-A.
Other names: short protein forms A543S.
Identifiers: ClinVar variation 3756160 (VCV003756160.2).

ClinVar aggregate classification (germline): Uncertain significance (1 of 4 stars; one submission).

Conditions:
Developmental and epileptic encephalopathy, 1 (DEE1). Also called: X-linked infantile spasms; West's syndrome; Tonic spasms with clustering, arrest of psychomotor development and hypsarrhythmia on EEG; X-Linked Infantile Spasm Syndrome; OHTAHARA SYNDROME, X-LINKED; Epileptic encephalopathy, early infantile, 1. Identifiers: MedGen C3463992, MONDO:0010632, OMIM 308350. Disease mechanism: loss of function.
Intellectual disability, X-linked, with or without seizures, ARX-related. Also called: Mental retardation, X-linked 52; MENTAL RETARDATION, X-LINKED 29; MENTAL RETARDATION, X-LINKED 32; MENTAL RETARDATION, X-LINKED 33; MENTAL RETARDATION, X-LINKED 38; MENTAL RETARDATION, X-LINKED 43. Identifiers: Orphanet 777, MedGen C0796244, MONDO:0010317, OMIM 300419.

Submission:

Labcorp Genetics (formerly Invitae), Labcorp
Classification: Uncertain significance for Developmental and epileptic encephalopathy, 1; Intellectual disability, X-linked, with or without seizures, ARX-related. Last evaluated: 2024-05-02. Review status: criteria provided, single submitter. Criteria: Invitae Variant Classification Sherloc (09022015). Collection method: clinical testing. Allele origin: germline.
Comment: This sequence change replaces alanine, which is neutral and non-polar, with serine, which is neutral and polar, at codon 543 of the ARX protein (p.Ala543Ser). This variant is not present in population databases (gnomAD no frequency). This variant has not been reported in the literature in individuals affected with ARX-related conditions. Advanced modeling of protein sequence and biophysical properties (such as structural, functional, and spatial information, amino acid conservation, physicochemical variation, residue mobility, and thermodynamic stability) performed at Invitae indicates that this missense variant is not expected to disrupt ARX protein function with a negative predictive value of 80%. In summary, the available evidence is currently insufficient to determine the role of this variant in disease. Therefore, it has been classified as a Variant of Uncertain Significance.